The following is an entry in ClinVar:

NM_001605.3(AARS1):c.834A>G (p.Pro278=)

Gene: AARS1 (alanyl-tRNA synthetase 1; minus strand). Cytogenetic location: 16q22.1.
Variant type: single nucleotide variant.
Coding change: c.834A>G on transcript NM_001605.3 (MANE Select); coding-DNA position 834, A replaced by G.
Protein change: p.Pro278=; no amino-acid change (proline 278 retained).
Molecular consequence: synonymous variant.
Genome position (GRCh38, 1-based): chr16:70,269,746, T>C on the plus strand (A>G on the coding strand, the complement: AARS1 is on the minus strand). VCF-style: chr16-70269746-T-C. GRCh37 (hg19) VCF-style: chr16-70303649-T-C.
Identifiers: ClinVar variation 2866436 (VCV002866436.4), dbSNP rs138977601, ClinGen allele CA283440131.
Genomic context (GRCh38, chr16:70,269,746, plus strand): 5'-CAGCACCCGGTAGGCCATGTCAATCCCATCGGCATCCTCAGCACCAACTTTCCCAGTGTA[T>C]GGTCGGGCACCTGTGCCCTATAGATAAGAATCAGGAGGCAGCCCTTTAGGAAGCAGACTT-3'
Protein context (NP_001596.2, residues 268-288): EAIQKGTGAR[Pro278=]YTGKVGAEDA

ClinVar aggregate classification (germline): Likely benign. Review status: criteria provided, multiple submitters, no conflicts (2 of 4 stars). 2 submissions from 2 submitters: Likely benign (2). Last evaluated 2024-07-03.

Conditions:
Charcot-Marie-Tooth disease type 2. Also called: Charcot-Marie-Tooth type 2. Identifiers: Orphanet 64746, MedGen C0270914, MONDO:0018993.

Allele frequency attached by ClinVar (database versions not stated): ESP Exome Variant Server 0.00008; gnomAD 0.00002; TOPMed 0.00002; gnomAD exomes below 0.00001.
gnomAD v4.1: 4 of 1,613,974 alleles (0.00025%); highest among the groups gnomAD compares: African/African-American, 0.004%; no homozygotes.

Submissions (2):

Women's Health and Genetics/Laboratory Corporation of America, LabCorp
Classification: Likely benign. Last evaluated: 2024-07-03. Review status: criteria provided, single submitter. Criteria: LabCorp Variant Classification Summary - May 2015. Collection method: clinical testing. Allele origin: germline.
Comment: Variant summary: AARS1 c.834A>G alters a non-conserved nucleotide resulting in a synonymous change. Consensus agreement among computation tools predict no significant impact on normal splicing. However, these predictions have yet to be confirmed by functional studies. The variant allele was found at a frequency of 2.5e-06 in 1606980 control chromosomes (gnomAD v4.1 dataset). The available data on variant occurrences in the general population are insufficient to allow any conclusion about variant significance. To our knowledge, no occurrence of c.834A>G in individuals affected with Developmental And Epileptic Encephalopathy, 29 and no experimental evidence demonstrating its impact on protein function have been reported. ClinVar contains an entry for this variant (Variation ID: 2866436). Based on the evidence outlined above, the variant was classified as likely benign.

Labcorp Genetics (formerly Invitae), Labcorp
Classification: Likely benign for Charcot-Marie-Tooth disease type 2. Last evaluated: 2023-06-18. Review status: criteria provided, single submitter. Criteria: Invitae Variant Classification Sherloc (09022015). Collection method: clinical testing. Allele origin: germline.